The following is an entry in ClinVar:

ClinVar aggregate classification (germline): Uncertain significance (1 of 4 stars; one submission).

Conditions:
Baller-Gerold syndrome (BGS). Also called: CRANIOSYNOSTOSIS WITH RADIAL DEFECTS. Identifiers: Orphanet 1225, MedGen C0265308, MONDO:0009039, OMIM 218600.

Allele frequency attached by ClinVar (database versions not stated): gnomAD below 0.00001 and 0.00001; gnomAD exomes 0.00001 and 0.00002; ExAC 0.00002.

Submission:

Labcorp Genetics (formerly Invitae), Labcorp
Classification: Uncertain significance for Baller-Gerold syndrome. Last evaluated: 2024-06-24. Review status: criteria provided, single submitter. Criteria: Invitae Variant Classification Sherloc (09022015). Collection method: clinical testing. Allele origin: germline.
Comment: This variant, c.2941_2942insTTCCAA, is a complex sequence change that results in the deletion of one and insertion of three amino acid(s) in the RECQL4 protein (p.Gly981delinsValProSer). This variant is present in population databases (rs776993029, gnomAD 0.02%). This variant has not been reported in the literature in individuals affected with RECQL4-related conditions. ClinVar contains an entry for this variant (Variation ID: 836924). Experimental studies and prediction algorithms are not available or were not evaluated, and the functional significance of this variant is currently unknown. In summary, the available evidence is currently insufficient to determine the role of this variant in disease. Therefore, it has been classified as a Variant of Uncertain Significance.

NM_004260.4(RECQL4):c.2941_2942insTTCCAA (p.Gly981delinsValProSer)

Gene: RECQL4 (RecQ like helicase 4; minus strand). Cytogenetic location: 8q24.3.
Variant type: Insertion.
Coding change: c.2941_2942insTTCCAA on transcript NM_004260.4 (MANE Select); coding-DNA positions 2941 to 2942, TTCCAA inserted.
Protein change: p.Gly981delinsValProSer.
Molecular consequence: inframe indel.
Genome position: GRCh38 VCF-style: chr8-144512505-C-CTTGGAA. GRCh37 (hg19) VCF-style: chr8-145737888-C-CTTGGAA.
Identifiers: ClinVar variation 836924 (VCV000836924.6), dbSNP rs776993029, ClinGen allele CA4947997.
Genomic context (GRCh38, chr8:144,512,505, plus strand): 5'-GCCAGCTCCCAGCCCATGGAGTCCACCAGCTTGACCATGTCAAACTCCACGGAGCTGCTG[C>CTTGGAA]CTTGCCCTGGGTCCTCAGGCAGCTGCTGGGCCAAGCACACAGCCAAAGGGGGACACCTGT-3'